The following is an entry in ClinVar:

NM_002439.5(MSH3):c.3133_3134delinsAT (p.Ala1045Ile)

Gene: MSH3 (mutS homolog 3; plus strand). Cytogenetic location: 5q14.1.
Variant type: Indel.
Coding change: c.3133_3134delinsAT on transcript NM_002439.5 (MANE Select); coding-DNA positions 3133 to 3134, GC replaced by AT.
Protein change: p.Ala1045Ile; replaces alanine 1045 with isoleucine.
Molecular consequence: missense variant.
Genome position (GRCh38, 1-based): chr5:80,873,118-80,873,119, GC replaced by AT. VCF-style: chr5-80873118-GC-AT. GRCh37 (hg19) VCF-style: chr5-80168937-GC-AT.
Other names: short protein forms A1045I.
Identifiers: ClinVar variation 3222286 (VCV003222286.1), dbSNP rs2478804786, ClinGen allele CA2825001441.

ClinVar aggregate classification (germline): Uncertain significance (1 of 4 stars; one submission).

Conditions:
Hereditary cancer-predisposing syndrome. Also called: Tumor predisposition; Hereditary neoplastic syndrome; Hereditary Cancer Syndrome; Neoplastic Syndromes, Hereditary. Identifiers: Orphanet 140162, MedGen C0027672, MeSH D009386, MONDO:0015356.

Submission:

Ambry Genetics
Classification: Uncertain significance for Hereditary cancer-predisposing syndrome. Last evaluated: 2023-11-27. Review status: criteria provided, single submitter. Criteria: Ambry Variant Classification Scheme 2023. Collection method: clinical testing. Allele origin: germline.
Comment: The c.3133_3134delGCinsAT variant (also known as p.A1045I), located in coding exon 23 of the MSH3 gene, results from an in-frame deletion of GC and insertion of AT at nucleotide positions 3133 to 3134. This results in the substitution of the alanine residue for an isoleucine residue at codon 1045, an amino acid with similar properties. This amino acid position is poorly conserved in available vertebrate species. In addition, this alteration is predicted to be neutral by in silico analysis (Choi Y et al. PLoS ONE. 2012; 7(10):e46688). Since supporting evidence is limited at this time, the clinical significance of this alteration remains unclear.